The following is an entry in ClinVar:

NM_000535.7(PMS2):c.1332G>C (p.Arg444Ser)

Gene: PMS2 (PMS1 homolog 2, mismatch repair system component; minus strand). Cytogenetic location: 7p22.1.
Variant type: single nucleotide variant.
Coding change: c.1332G>C on transcript NM_000535.7 (MANE Select); coding-DNA position 1332, G replaced by C.
Protein change: p.Arg444Ser; replaces arginine 444 with serine.
Molecular consequence: missense variant. On other transcripts: non-coding transcript variant (1).
Genome position (GRCh38, 1-based): chr7:5,987,433, C>G on the plus strand (G>C on the coding strand, the complement: PMS2 is on the minus strand). VCF-style: chr7-5987433-C-G. GRCh37 (hg19) VCF-style: chr7-6027064-C-G.
Other names: c.927G>C, p.Arg309Ser (NM_001322003.2, NM_001322004.2, NM_001322005.2 and 1 more transcripts); c.1176G>C, p.Arg392Ser (NM_001322006.2); c.1014G>C, p.Arg338Ser (NM_001322007.2, NM_001322008.2); c.771G>C, p.Arg257Ser (NM_001322010.2); c.399G>C, p.Arg133Ser (NM_001322011.2, NM_001322012.2); c.759G>C, p.Arg253Ser (NM_001322013.2); c.1332G>C, p.Arg444Ser (NM_001322014.2); c.1023G>C, p.Arg341Ser (NM_001322015.2); short protein forms R133S, R253S, R338S, R444S, R341S, R392S, R257S, R309S.
Identifiers: ClinVar variation 921712 (VCV000921712.4), dbSNP rs1554297874, ClinGen allele CA366742317.

ClinVar aggregate classification (germline): Uncertain significance (1 of 4 stars; one submission).

Conditions:
Hereditary cancer-predisposing syndrome. Also called: Neoplastic Syndromes, Hereditary; Tumor predisposition; Hereditary Cancer Syndrome; Hereditary neoplastic syndrome. Identifiers: Orphanet 140162, MedGen C0027672, MeSH D009386, MONDO:0015356.

Submission:

Color Diagnostics, LLC DBA Color Health
Classification: Uncertain significance for Hereditary cancer-predisposing syndrome. Last evaluated: 2024-03-06. Review status: criteria provided, single submitter. Criteria: ACMG Guidelines, 2015. Collection method: clinical testing. Allele origin: germline.
Comment: This missense variant replaces arginine with serine at codon 444 of the PMS2 protein. Computational prediction suggests that this variant may not impact protein structure and function (internally defined REVEL score threshold <= 0.5, PMID: 27666373). Splice site prediction tools suggest that this variant may not impact RNA splicing. To our knowledge, functional studies have not been performed for this variant. This variant has not been reported in individuals affected with hereditary cancer in the literature. This variant has not been identified in the general population by the Genome Aggregation Database (gnomAD). The available evidence is insufficient to determine the role of this variant in disease conclusively. Therefore, this variant is classified as a Variant of Uncertain Significance.